The following is an entry in ClinVar:

NM_177438.3(DICER1):c.1694del (p.Asp565fs)

Gene: DICER1 (dicer 1, ribonuclease III; minus strand). Cytogenetic location: 14q32.13.
Variant type: Deletion.
Coding change: c.1694del on transcript NM_177438.3 (MANE Select); coding-DNA position 1694, one base deleted (A; older notation c.1694delA).
Protein change: p.Asp565fs; shifts the reading frame from aspartic acid 565.
Molecular consequence: frameshift variant.
Genome position (GRCh38, 1-based): chr14:95,116,511, T deleted on the plus strand (A on the coding strand, the reverse complement: DICER1 is on the minus strand). VCF-style (leftmost placement, unchanged base first): chr14-95116510-AT-A. GRCh37 (hg19) VCF-style: chr14-95582847-AT-A.
Other names: c.1694delA (NM_177438.2); c.1694del, p.Asp565fs (NM_001195573.1, NM_001271282.3, NM_001291628.2 and 1 more transcripts); short protein forms D565fs.
Identifiers: ClinVar variation 477053 (VCV000477053.8), dbSNP rs1555372851, ClinGen allele CA658656449.
Genomic context (GRCh38, chr14:95,116,510, plus strand): 5'-TACCTTTTCAATAGCTTTGTAGGTTTTAAGGTCTTCTTCAAAACTTTTTATTTTGTCTGT[AT>A]CCGCTAACATTATATAATTAGAGATGGGTGCCCTTGCTCTTCCTTTAGATTGAACATAGG-3'

ClinVar aggregate classification (germline): Pathogenic (1 of 4 stars; one submission).

Conditions:
DICER1-related tumor predisposition. Also called: DICER1-related pleuropulmonary blastoma cancer predisposition syndrome; DICER1 syndrome. Identifiers: Orphanet 284343, MedGen C3839822, MONDO:0100216.

Submission:

Labcorp Genetics (formerly Invitae), Labcorp
Classification: Pathogenic for DICER1-related tumor predisposition. Last evaluated: 2017-05-01. Review status: criteria provided, single submitter. Criteria: Invitae Variant Classification Sherloc (09022015). Collection method: clinical testing. Allele origin: germline.
Comment: This sequence change deletes 1 nucleotide from exon 10 of the DICER1 mRNA (c.1694delA), causing a frameshift at codon 565. This creates a premature translational stop signal (p.Asp565Valfs*5) and is expected to result in an absent or disrupted protein product. While this particular variant has not been reported in the literature, loss-of-function variants in DICER1 are known to be pathogenic (PMID: 19556464, 21266384). For these reasons, this variant has been classified as Pathogenic.

Literature cited by the submitters: PubMed 19556464; PubMed 21266384.